The following is an entry in ClinVar:

NM_001142569.3(INAVA):c.743A>T (p.Tyr248Phe)

Gene: INAVA (innate immunity activator; plus strand). Cytogenetic location: 1q32.1.
Variant type: single nucleotide variant.
Coding change: c.743A>T on transcript NM_001142569.3 (MANE Select); coding-DNA position 743, A replaced by T.
Protein change: p.Tyr248Phe; replaces tyrosine 248 with phenylalanine.
Molecular consequence: missense variant.
Genome position (GRCh38, 1-based): chr1:200,908,898, A>T. VCF-style: chr1-200908898-A-T. GRCh37 (hg19) VCF-style: chr1-200878026-A-T.
Other names: INAVA, TYR333PHE (rs41313912); c.743A>T, p.Tyr248Phe (NM_001367289.1); c.206A>T, p.Tyr69Phe (NM_001367290.1); c.998A>T, p.Tyr333Phe (NM_018265.4); short protein forms Y333F, Y69F, Y248F.
Identifiers: ClinVar variation 559449 (VCV000559449.8), dbSNP rs41313912, ClinGen allele CA1319936.

ClinVar aggregate classification (germline): Conflicting classifications of pathogenicity. Review status: criteria provided, conflicting classifications (1 of 4 stars). 3 submissions from 3 submitters: Uncertain significance (1); Benign (1). 1 of the submissions does not count toward it. Last evaluated 2025-10-01.

Conditions:
Inflammatory bowel disease 29. Identifiers: MedGen C4748083, MONDO:0054849, OMIM 618077.

Allele frequency attached by ClinVar (database versions not stated): 1000 Genomes Project 0.00379; 1000 Genomes Project 30x 0.00406; TOPMed 0.00770; ESP Exome Variant Server 0.00900.
gnomAD v4.1: 18,055 of 1,613,826 alleles (1.1%); highest among the groups gnomAD compares: Non-Finnish European, 1.4%; 114 homozygotes.

Submissions (3):

CeGaT Center for Human Genetics Tuebingen
Classification: Benign. Last evaluated: 2025-10-01. Review status: criteria provided, single submitter. Criteria: CeGaT Center For Human Genetics Tuebingen Variant Classification Criteria Version 2. Collection method: clinical testing. Allele origin: germline. Affected: yes. Observed: 1 variant allele.
Comment: INAVA: BP4, BS1, BS2

Johns Hopkins Genomics, Johns Hopkins University
Classification: Uncertain significance for Inflammatory bowel disease 29. Last evaluated: 2020-07-30. Review status: criteria provided, single submitter. Criteria: ACMG Guidelines, 2015. Collection method: clinical testing. Allele origin: germline.

OMIM
Classification: Pathogenic for INFLAMMATORY BOWEL DISEASE 29. Last evaluated: 2011-10-09. Review status: no assertion criteria provided. Collection method: literature only. Allele origin: germline. Not counted in ClinVar's aggregate classification.

Literature cited by the submitters: PubMed 21983784 (cited by Johns Hopkins Genomics, Johns Hopkins University and OMIM); PubMed 29420262 (cited by Johns Hopkins Genomics, Johns Hopkins University and OMIM).